The following is an entry in ClinVar:

ClinVar aggregate classification (germline): Uncertain significance (1 of 4 stars; one submission).

Allele frequency attached by ClinVar (database versions not stated): gnomAD exomes below 0.00001; ExAC 0.00002; TOPMed 0.00002; gnomAD 0.00004.
gnomAD v4.1: 7 of 1,614,074 alleles (0.00043%); highest among the groups gnomAD compares: East Asian, 0.0089%; no homozygotes.

Submission:

Labcorp Genetics (formerly Invitae), Labcorp
Classification: Uncertain significance. Last evaluated: 2022-06-01. Review status: criteria provided, single submitter. Criteria: Invitae Variant Classification Sherloc (09022015). Collection method: clinical testing. Allele origin: germline.
Comment: In summary, the available evidence is currently insufficient to determine the role of this variant in disease. Therefore, it has been classified as a Variant of Uncertain Significance. Advanced modeling of protein sequence and biophysical properties (such as structural, functional, and spatial information, amino acid conservation, physicochemical variation, residue mobility, and thermodynamic stability) performed at Invitae indicates that this missense variant is not expected to disrupt CDHR1 protein function. This variant has not been reported in the literature in individuals affected with CDHR1-related conditions. This variant is present in population databases (rs761332490, gnomAD 0.02%). This sequence change replaces leucine, which is neutral and non-polar, with phenylalanine, which is neutral and non-polar, at codon 682 of the CDHR1 protein (p.Leu682Phe).

NM_033100.4(CDHR1):c.2044C>T (p.Leu682Phe)

Gene: CDHR1 (cadherin related family member 1; plus strand). Cytogenetic location: 10q23.1.
Variant type: single nucleotide variant.
Coding change: c.2044C>T on transcript NM_033100.4 (MANE Select); coding-DNA position 2044, C replaced by T.
Protein change: p.Leu682Phe; replaces leucine 682 with phenylalanine.
Molecular consequence: missense variant. On other transcripts: intron variant (1).
Genome position (GRCh38, 1-based): chr10:84,214,085, C>T. VCF-style: chr10-84214085-C-T. GRCh37 (hg19) VCF-style: chr10-85973841-C-T.
Other names: c.2040+737C>T (NM_001171971.3); short protein forms L682F.
Identifiers: ClinVar variation 1942716 (VCV001942716.5), dbSNP rs761332490, ClinGen allele CA5580136.